The following is an entry in ClinVar:

NM_031407.7(HUWE1):c.8005+3G>A

Gene: HUWE1 (HECT, UBA and WWE domain containing E3 ubiquitin protein ligase 1; minus strand). Cytogenetic location: Xp11.22.
Variant type: single nucleotide variant.
Coding change: c.8005+3G>A on transcript NM_031407.7 (MANE Select); 3 bases into the intron after coding-DNA position 8005, G replaced by A.
Molecular consequence: intron variant.
Genome position (GRCh38, 1-based): chrX:53,558,968, C>T on the plus strand (G>A on the coding strand, the complement: HUWE1 is on the minus strand). VCF-style: chrX-53558968-C-T. GRCh37 (hg19) VCF-style: chrX-53585929-C-T.
Identifiers: ClinVar variation 3902392 (VCV003902392.1).

ClinVar aggregate classification (germline): Uncertain significance (1 of 4 stars; one submission).

gnomAD v4.1: 3 of 1,187,953 alleles (0.00025%); highest among the groups gnomAD compares: African/African-American, 0.0018%; no homozygotes.

Submission:

Women's Health and Genetics/Laboratory Corporation of America, LabCorp
Classification: Uncertain significance. Last evaluated: 2025-05-29. Review status: criteria provided, single submitter. Criteria: LabCorp Variant Classification Summary - May 2015. Collection method: clinical testing. Allele origin: germline.
Comment: Variant summary: HUWE1 c.8005+3G>A alters a nucleotide located close to a canonical splice site and therefore could affect mRNA splicing, leading to a significantly altered protein sequence. Consensus agreement among computation tools predict no significant impact on normal splicing. However, these predictions have yet to be confirmed by functional studies. The frequency data for this variant in gnomAD is considered unreliable, as metrics indicate poor data quality at this position. To our knowledge, no occurrence of c.8005+3G>A in individuals affected with Intellectual Disability, X-Linked Syndromic, Turner Type and no experimental evidence demonstrating its impact on protein function have been reported. No submitters have cited clinical-significance assessments for this variant to ClinVar. Based on the evidence outlined above, the variant was classified as uncertain significance.